The following is an entry in ClinVar:

ClinVar aggregate classification (germline): Uncertain significance (1 of 4 stars; one submission).

Conditions:
Hereditary cancer-predisposing syndrome. Also called: Hereditary Cancer Syndrome; Hereditary neoplastic syndrome; Tumor predisposition; Neoplastic Syndromes, Hereditary. Identifiers: Orphanet 140162, MedGen C0027672, MeSH D009386, MONDO:0015356.
Cardiovascular phenotype. Identifiers: MedGen CN230736.

Allele frequency attached by ClinVar (database versions not stated): gnomAD exomes below 0.00001.
gnomAD v4.1: 4 of 1,611,848 alleles (0.00025%); highest among the groups gnomAD compares: Non-Finnish European, 0.00034%; no homozygotes.

Submission:

Ambry Genetics
Classification: Uncertain significance for Cardiovascular phenotype; Hereditary cancer-predisposing syndrome. Last evaluated: 2025-04-29. Review status: criteria provided, single submitter. Criteria: Ambry Variant Classification Scheme 2023. Collection method: clinical testing. Allele origin: germline.
Comment: The p.S833Y variant (also known as c.2498C>A), located in coding exon 21 of the NF1 gene, results from a C to A substitution at nucleotide position 2498. The serine at codon 833 is replaced by tyrosine, an amino acid with dissimilar properties. This amino acid position is conserved. In addition, this alteration is predicted to be tolerated by in silico analysis. Based on the available evidence, the clinical significance of this variant remains unclear.

NM_001042492.3(NF1):c.2498C>A (p.Ser833Tyr)

Gene: NF1 (neurofibromin 1; plus strand). Cytogenetic location: 17q11.2.
Variant type: single nucleotide variant.
Coding change: c.2498C>A on transcript NM_001042492.3 (MANE Select); coding-DNA position 2498, C replaced by A.
Protein change: p.Ser833Tyr; replaces serine 833 with tyrosine.
Molecular consequence: missense variant.
Genome position (GRCh38, 1-based): chr17:31,229,113, C>A. VCF-style: chr17-31229113-C-A. GRCh37 (hg19) VCF-style: chr17-29556131-C-A.
Other names: c.2498C>A, p.Ser833Tyr (NM_000267.4); short protein forms S833Y.
Identifiers: ClinVar variation 1792149 (VCV001792149.3), dbSNP rs2067066207, ClinGen allele CA398984089.